The following is an entry in ClinVar:

NM_030665.4(RAI1):c.5497G>A (p.Gly1833Ser)

Gene: RAI1 (retinoic acid induced 1; plus strand). Cytogenetic location: 17p11.2.
Variant type: single nucleotide variant.
Coding change: c.5497G>A on transcript NM_030665.4 (MANE Select); coding-DNA position 5497, G replaced by A.
Protein change: p.Gly1833Ser; replaces glycine 1833 with serine.
Molecular consequence: missense variant.
Genome position (GRCh38, 1-based): chr17:17,798,445, G>A. VCF-style: chr17-17798445-G-A. GRCh37 (hg19) VCF-style: chr17-17701759-G-A.
Other names: c.5497G>A (NM_030665.3); short protein forms G1833S.
Identifiers: ClinVar variation 1412999 (VCV001412999.23), dbSNP rs746757791, ClinGen allele CA8419173.

ClinVar aggregate classification (germline): Conflicting classifications of pathogenicity. Review status: criteria provided, conflicting classifications (1 of 4 stars). 3 submissions from 3 submitters: Uncertain significance (1); Benign (1); Likely benign (1). Last evaluated 2025-08-01.

Conditions:
RAI1-related disorder. Also called: RAI1-related condition.

Allele frequency attached by ClinVar (database versions not stated): gnomAD exomes below 0.00001; ExAC 0.00001; TOPMed 0.00004.
gnomAD v4.1: 51 of 1,609,014 alleles (0.0032%); highest among the groups gnomAD compares: Non-Finnish European, 0.0036%; no homozygotes.

Submissions (3):

PreventionGenetics, part of Exact Sciences
Classification: Uncertain significance for RAI1-related condition. Last evaluated: 2025-08-01. Review status: criteria provided, single submitter. Criteria: ACMG Guidelines, 2015. Collection method: clinical testing. Allele origin: germline.
Comment: The RAI1 c.5497G>A variant is predicted to result in the amino acid substitution p.Gly1833Ser. To our knowledge, this variant has not been reported in the literature. This variant is reported in 0.0033% of alleles in individuals of South Asian descent in gnomAD. Serine is found at this position in several vertebrates and is predicted to be tolerated by in silico prediction algorithms. Although we suspect that this variant may be benign, the clinical significance of this variant is classified as uncertain at this time due to insufficient functional and genetic evidence.

Labcorp Genetics (formerly Invitae), Labcorp
Classification: Benign. Last evaluated: 2024-11-16. Review status: criteria provided, single submitter. Criteria: Invitae Variant Classification Sherloc (09022015). Collection method: clinical testing. Allele origin: germline.

CeGaT Center for Human Genetics Tuebingen
Classification: Likely benign. Last evaluated: 2024-10-01. Review status: criteria provided, single submitter. Criteria: CeGaT Center For Human Genetics Tuebingen Variant Classification Criteria Version 2. Collection method: clinical testing. Allele origin: germline. Affected: yes. Observed: 1 variant allele.
Comment: RAI1: BP4, BS2